The following is an entry in ClinVar:

NM_001267550.2(TTN):c.33827-1G>A

Gene: TTN (titin; minus strand). Cytogenetic location: 2q31.2.
Variant type: single nucleotide variant.
Coding change: c.33827-1G>A on transcript NM_001267550.2 (MANE Select); the canonical splice acceptor site of the intron before coding-DNA position 33827, G replaced by A.
Molecular consequence: splice acceptor variant. On other transcripts: intron variant (3).
Genome position (GRCh38, 1-based): chr2:178,678,498, C>T on the plus strand (G>A on the coding strand, the complement: TTN is on the minus strand). VCF-style: chr2-178678498-C-T. GRCh37 (hg19) VCF-style: chr2-179543225-C-T.
Other names: c.13283-36181G>A (NM_003319.4); c.13859-36181G>A (NM_133437.4); c.13658-36181G>A (NM_133432.3); c.30095-1G>A (NM_133378.4); c.32876-1G>A (NM_001256850.1).
Identifiers: ClinVar variation 1042437 (VCV001042437.13), dbSNP rs2068604683, ClinGen allele CA349532868.
Genomic context (GRCh38, chr2:178,678,498, plus strand): 5'-TCTTAGGAGCAGGAACTGGCACCTTCTTCTCAGGCACAGGCTTCTTGGGTACCTCTGGCA[C>T]TTTAACGAAATGATTTAGAGAAAAATTTTATACGACATAAAAATACTGATTCCAAGCATA-3'

ClinVar aggregate classification (germline): Likely pathogenic (1 of 4 stars; one submission).

Conditions:
Dilated cardiomyopathy 1G (CMD1G). Identifiers: Orphanet 154, MedGen C1858763, MONDO:0011400, OMIM 604145.
Autosomal recessive limb-girdle muscular dystrophy type 2J (LGMDR10). Also called: Limb-girdle muscular dystrophy, type 2J; MUSCULAR DYSTROPHY, LIMB-GIRDLE, AUTOSOMAL RECESSIVE 10. Identifiers: Orphanet 140922, MedGen C1837342, MONDO:0012127, OMIM 608807.

Submission:

Labcorp Genetics (formerly Invitae), Labcorp
Classification: Likely pathogenic for Dilated cardiomyopathy 1G; Autosomal recessive limb-girdle muscular dystrophy type 2J. Last evaluated: 2025-04-04. Review status: criteria provided, single submitter. Criteria: Invitae Variant Classification Sherloc (09022015). Collection method: clinical testing. Allele origin: germline.
Comment: This sequence change affects an acceptor splice site in intron 143 of the TTN gene. It is expected to disrupt RNA splicing and likely results in a truncated or disrupted TTN protein. This variant is not present in population databases (gnomAD no frequency). This variant has not been reported in the literature in individuals affected with TTN-related conditions. ClinVar contains an entry for this variant (Variation ID: 1042437). Algorithms developed to predict the effect of sequence changes on RNA splicing suggest that this variant may disrupt the consensus splice site. This variant is located in the I band of TTN (PMID: 25589632). Truncating variants in this region have been reported in individuals affected with autosomal recessive centronuclear myopathy (PMID: 23975875, internal data). Truncating variants in this region have also been identified in individuals affected with autosomal dominant dilated cardiomyopathy and/or cardio-related conditions (PMID: 27869827, 32964742, internal data). In summary, the currently available evidence indicates that the variant is pathogenic, but additional data are needed to prove that conclusively. Therefore, this variant has been classified as Likely Pathogenic.

Literature cited by the submitters: PubMed 25589632; PubMed 23975875; PubMed 27869827; PubMed 32964742.